The following is an entry in ClinVar:

NM_024652.6(LRRK1):c.753G>A (p.Pro251=)

Gene: LRRK1 (leucine rich repeat kinase 1; plus strand). Cytogenetic location: 15q26.3.
Variant type: single nucleotide variant.
Coding change: c.753G>A on transcript NM_024652.6 (MANE Select); coding-DNA position 753, G replaced by A.
Protein change: p.Pro251=; no amino-acid change (proline 251 retained).
Molecular consequence: synonymous variant.
Genome position (GRCh38, 1-based): chr15:100,989,389, G>A. VCF-style: chr15-100989389-G-A. GRCh37 (hg19) VCF-style: chr15-101529594-G-A.
Other names: c.753G>A (NM_024652.5).
Identifiers: ClinVar variation 1636917 (VCV001636917.11), dbSNP rs2412000, ClinGen allele CA7760684.

ClinVar aggregate classification (germline): Benign. Review status: criteria provided, multiple submitters, no conflicts (2 of 4 stars). 3 submissions from 3 submitters: Benign (2). 1 of the submissions does not count toward it. Last evaluated 2026-02-04.

Conditions:
LRRK1-related disorder. Also called: LRRK1-related condition.

Allele frequency attached by ClinVar (database versions not stated): ExAC 0.06870; ESP Exome Variant Server 0.13729; 1000 Genomes Project 0.13958; gnomAD 0.12807 and 0.13377; TOPMed 0.14025; 1000 Genomes Project 30x 0.14819.
gnomAD v4.1: 104,851 of 1,613,942 alleles (6.5%); highest among the groups gnomAD compares: African/African-American, 34%; 6,577 homozygotes.

Submissions (3):

Labcorp Genetics (formerly Invitae), Labcorp
Classification: Benign. Last evaluated: 2026-02-04. Review status: criteria provided, single submitter. Criteria: Invitae Variant Classification Sherloc (09022015). Collection method: clinical testing. Allele origin: germline.

Breakthrough Genomics
Classification: Benign. Review status: criteria provided, single submitter. Criteria: ACMG Guidelines, 2015. Collection method: not provided. Allele origin: germline. Inheritance: Autosomal recessive inheritance. Affected: yes.

PreventionGenetics, part of Exact Sciences
Classification: Benign for LRRK1-related condition. Last evaluated: 2019-04-09. Review status: no assertion criteria provided. Collection method: clinical testing. Allele origin: germline. Not counted in ClinVar's aggregate classification.
Comment: This variant is classified as benign based on ACMG/AMP sequence variant interpretation guidelines (Richards et al. 2015 PMID: 25741868, with internal and published modifications).